The following is an entry in ClinVar:

ClinVar aggregate classification (germline): Pathogenic. Review status: reviewed by expert panel (3 of 4 stars). 4 submissions from 4 submitters: Pathogenic (1). 3 of the submissions do not count toward it. Last evaluated 2024-11-26.

Conditions:
Familial cancer of breast. Also called: Hereditary breast cancer; BREAST CANCER, FAMILIAL; hereditary breast carcinoma. Identifiers: Orphanet 227535, MedGen C0346153, MONDO:0016419, OMIM 114480. Disease mechanism: loss of function.
Inherited breast cancer and ovarian cancer.
ATM-related cancer predisposition. Also called: ATM-related cancer susceptibility. Identifiers: MedGen CN377759, MONDO:0700270.
Hereditary cancer-predisposing syndrome. Also called: Tumor predisposition; Neoplastic Syndromes, Hereditary; Hereditary Cancer Syndrome; Hereditary neoplastic syndrome. Identifiers: Orphanet 140162, MedGen C0027672, MeSH D009386, MONDO:0015356.

Submissions (4):

ClinGen Hereditary Breast, Ovarian and Pancreatic Cancer Variant Curation Expert Panel, ClinGen
Classification: Pathogenic for ATM-related cancer predisposition. Last evaluated: 2024-11-26. Review status: reviewed by expert panel. Criteria: ClinGen HBOP ACMG Specifications ATM V1.3.0. Collection method: curation. Allele origin: germline. Inheritance: Autosomal dominant inheritance.
Comment: The c.6212T>A (p.Leu2071*) variant in ATM gene is a nonsense variant predicted to cause a premature stop codon in biologically-relevant-exon leading to nonsense mediated decay in a gene in which loss-of-function is an established disease mechanism. This alteration results in a termination codon upstream of the most C-terminus pathogenic alteration (ATM p.Arg3047*), as classified by the HBOP VCEP, and is expected to be more deleterious. This variant has been detected in at least one individual with Ataxia-Telangiectasia (PMID: 26896183). This variant is absent from gnomAD v2.1.1. In summary, this variant meets criteria to be classified as pathogenic for autosomal dominant ATM-related cancer predisposition and autosomal recessive Ataxia-Telangiectasia based on the ACMG/AMP criteria applied, as specified by the HBOP VCEP. (PVS1, PM5_Supporting, PM3, PM2_Supporting)

Ambry Genetics
Classification: Pathogenic for Hereditary cancer-predisposing syndrome. Last evaluated: 2026-04-30. Review status: criteria provided, single submitter. Criteria: Ambry Variant Classification Scheme 2023. Collection method: clinical testing. Allele origin: germline. Not counted in ClinVar's aggregate classification.
Comment: The p.L2071* pathogenic mutation (also known as c.6212T>A), located in coding exon 42 of the ATM gene, results from a T to A substitution at nucleotide position 6212. This changes the amino acid from a leucine to a stop codon within coding exon 42. This variant is considered to be rare based on population cohorts in the Genome Aggregation Database (gnomAD). This alteration is expected to result in loss of function by premature protein truncation or nonsense-mediated mRNA decay. As such, this alteration is interpreted as a disease-causing mutation.

Cambridge Genomics Laboratory, East Genomic Laboratory Hub, NHS Genomic Medicine Service
Classification: Pathogenic for Inherited breast cancer and ovarian cancer. Last evaluated: 2025-02-27. Review status: criteria provided, single submitter. Criteria: ACGS Best Practice Guidelines for Variant Classification in Rare Disease 2020. Collection method: clinical testing. Allele origin: germline. Affected: yes. Not counted in ClinVar's aggregate classification.
Comment: PVS1,PM2_Supporting,PM3,PM5_Supporting,BP2_Moderate

Myriad Genetics, Inc.
Classification: Pathogenic for Familial cancer of breast. Last evaluated: 2024-01-29. Review status: criteria provided, single submitter. Criteria: Myriad Autosomal Dominant, Autosomal Recessive and X-Linked Classification Criteria (2023). Collection method: clinical testing. Allele origin: unknown. Not counted in ClinVar's aggregate classification.
Comment: This variant is considered pathogenic. This variant creates a termination codon and is predicted to result in premature protein truncation.

NM_000051.4(ATM):c.6212T>A (p.Leu2071Ter)

Genes: ATM (ATM serine/threonine kinase; plus strand), C11orf65 (chromosome 11 open reading frame 65; minus strand). Cytogenetic location: 11q22.3.
Variant type: single nucleotide variant.
Coding change: c.6212T>A on transcript NM_000051.4 (MANE Select); coding-DNA position 6212, T replaced by A.
Protein change: p.Leu2071Ter; replaces leucine 2071 with a stop codon.
Molecular consequence: nonsense. On other transcripts: intron variant (2).
Genome position (GRCh38, 1-based): chr11:108,317,386, T>A. VCF-style: chr11-108317386-T-A. GRCh37 (hg19) VCF-style: chr11-108188113-T-A.
Other names: NM_000051.4(ATM):c.6212T>A; p.Leu2071Ter; c.6212T>A, p.Leu2071Ter (NM_001351834.2); c.641-8315A>T (NM_001330368.2); c.*39-8315A>T (NM_001351110.2); short protein forms L2071*.
Identifiers: ClinVar variation 826252 (VCV000826252.8), dbSNP rs1591789046, ClinGen allele CA382551078.